The following is an entry in ClinVar:

NM_001278.5(CHUK):c.316-2A>G

Gene: CHUK (component of inhibitor of nuclear factor kappa B kinase complex; minus strand). Cytogenetic location: 10q24.31.
Variant type: single nucleotide variant.
Coding change: c.316-2A>G on transcript NM_001278.5 (MANE Select); the canonical splice acceptor site of the intron before coding-DNA position 316, A replaced by G.
Molecular consequence: splice acceptor variant.
Genome position (GRCh38, 1-based): chr10:100,222,183, T>C on the plus strand (A>G on the coding strand, the complement: CHUK is on the minus strand). VCF-style: chr10-100222183-T-C. GRCh37 (hg19) VCF-style: chr10-101981940-T-C.
Other names: c.316-2A>G (NM_001441063.1, NM_001441064.1, NM_001320928.2 and 1 more transcripts); c.34-2A>G (NM_001441065.1); c.-187-2A>G (NM_001441066.1).
Identifiers: ClinVar variation 4719494 (VCV004719494.1).

ClinVar aggregate classification (germline): Likely pathogenic (1 of 4 stars; one submission).

gnomAD v4.1: 2 of 1,584,908 alleles (0.00013%); highest among the groups gnomAD compares: Admixed American, 0.0017%; no homozygotes.

Submission:

Labcorp Genetics (formerly Invitae), Labcorp
Classification: Likely pathogenic. Last evaluated: 2025-05-13. Review status: criteria provided, single submitter. Criteria: Invitae Variant Classification Sherloc (09022015). Collection method: clinical testing. Allele origin: germline.
Comment: This sequence change affects an acceptor splice site in intron 3 of the CHUK gene. It is expected to disrupt RNA splicing. Variants that disrupt the donor or acceptor splice site typically lead to a loss of protein function (PMID: 16199547), and loss-of-function variants in CHUK are known to be pathogenic (PMID: 20961246, 25691407, 29523099). The frequency data for this variant in the population databases is considered unreliable, as metrics indicate poor data quality at this position in the gnomAD database. This variant has not been reported in the literature in individuals affected with CHUK-related conditions. Algorithms developed to predict the effect of sequence changes on RNA splicing suggest that this variant may disrupt the consensus splice site. In summary, the currently available evidence indicates that the variant is pathogenic, but additional data are needed to prove that conclusively. Therefore, this variant has been classified as Likely Pathogenic.

Literature cited by the submitters: PubMed 16199547; PubMed 20961246; PubMed 25691407; PubMed 29523099.